The following is an entry in ClinVar:

ClinVar aggregate classification (germline): Pathogenic/Likely pathogenic. Review status: criteria provided, multiple submitters, no conflicts (2 of 4 stars). 6 submissions from 6 submitters: Pathogenic (5); Likely pathogenic (1). Last evaluated 2025-10-13.

Conditions:
Cerebral arteriopathy, autosomal dominant, with subcortical infarcts and leukoencephalopathy, type 1 (CADASIL1). Also called: CASIL; Cerebral arteriopathy with subcortical infarcts and leukoencephalopathy 1; DEMENTIA, HEREDITARY MULTIINFARCT TYPE; CADASIL 1. Identifiers: Orphanet 136, MedGen C4551768, MONDO:0000914, OMIM 125310.

Allele frequency attached by ClinVar (database versions not stated): TOPMed 0.00001.
gnomAD v4.1: 9 of 1,600,058 alleles (0.00056%); highest among the groups gnomAD compares: East Asian, 0.02%; no homozygotes.

Submissions (6):

Variantyx, Inc.
Classification: Likely pathogenic for Cerebral arteriopathy, autosomal dominant, with subcortical infarcts and leukoencephalopathy, type 1. Last evaluated: 2025-10-13. Review status: criteria provided, single submitter. Criteria: Variantyx Assertion Criteria 2022. Collection method: clinical testing. Allele origin: germline. Inheritance: Autosomal dominant inheritance. Affected: yes.
Comment: This is a nonsynonymous variant in the NOTCH3 gene (OMIM: 600276). Pathogenic variants in this gene have been associated with autosomal dominant cerebral arteriopathy with subcortical infarcts and leukoencephalopathy 1. The frequency of this variant in affected individuals is significantly increased compared to controls (PMID: 32555735) (PS4) and it has been observed to segregate with disease in at least six individuals from two families (PMID: 16717210, 19043263) (PP1_Moderate). Functional studies have shown that this variant alters NOTCH3 protein function (PMID: 25604251) (PS3_Moderate), and multiple computational algorithms predict a deleterious effect for this variant (REVEL score: 0.68) (PP3). This variant has a 0.0204% maximum allele frequency in non-founder control populations. Based on the current evidence, this variant is classified as likely pathogenic for autosomal dominant cerebral arteriopathy with subcortical infarcts and leukoencephalopathy 1.

3billion
Classification: Pathogenic for Cerebral arteriopathy, autosomal dominant, with subcortical infarcts and leukoencephalopathy, type 1. Last evaluated: 2025-09-25. Review status: criteria provided, single submitter. Criteria: ACMG Guidelines, 2015. Collection method: clinical testing. Allele origin: germline. Affected: yes.
Comment: The variant is observed at an extremely low frequency in the gnomAD v4.1.0 dataset (total allele frequency: <0.001%). Predicted Consequence/Location: Missense variant. Missense changes are a common disease-causing mechanism. In silico tool predictions suggest damaging effect of the variant on gene or gene product [REVEL: 0.68 (>=0.6, sensitivity 0.68 and specificity 0.92)]. The same nucleotide change resulting in the same amino acid change has been previously reported as pathogenic/likely pathogenic with strong evidence (ClinVar ID: VCV000632306 /PMID: 16717210 /3billion dataset). The variant has been observed in multiple (>3) similarly affected unrelated individuals (PMID: 16717210, 24929957, 25980907, 26002683). A different missense change at the same codon (p.Arg75Gln) has been reported to be associated with NOTCH3-related disorder (PMID: 25982499). Therefore, this variant is classified as Pathogenic according to the recommendation of ACMG/AMP guideline.

Athena Diagnostics
Classification: Pathogenic. Last evaluated: 2025-02-04. Review status: criteria provided, single submitter. Criteria: Athena Diagnostics Criteria. Collection method: clinical testing. Allele origin: unknown.
Comment: The frequency of this variant in the general population is consistent with pathogenicity. This variant has been identified in multiple unrelated individuals with clinical features associated with CADASIL. In some published literature, this variant is referred to as c.302G>C. Assessment of experimental evidence suggests this variant results in abnormal protein function. (PMID: 25604251) Polyphen and MutationTaster predict this amino acid change may be damaging to the protein. Greater than 90% of NOTCH3 pathogenic variants associated with CADASIL involve the gain or loss of a cysteine residue within the epidermal growth factor (EGF)-like repeat domain (PMID: 32457593, 20301673).

Labcorp Genetics (formerly Invitae), Labcorp
Classification: Pathogenic. Last evaluated: 2023-05-10. Review status: criteria provided, single submitter. Criteria: Invitae Variant Classification Sherloc (09022015). Collection method: clinical testing. Allele origin: germline.
Comment: Advanced modeling of protein sequence and biophysical properties (such as structural, functional, and spatial information, amino acid conservation, physicochemical variation, residue mobility, and thermodynamic stability) performed at Invitae indicates that this missense variant is expected to disrupt NOTCH3 protein function. This sequence change replaces arginine, which is basic and polar, with proline, which is neutral and non-polar, at codon 75 of the NOTCH3 protein (p.Arg75Pro). This variant is not present in population databases (gnomAD no frequency). This missense change has been observed in individuals with cerebral arteriopathy with subcortical infarcts and leukoencephalopathy 1 (PMID: 16717210, 19043263). It has also been observed to segregate with disease in related individuals. ClinVar contains an entry for this variant (Variation ID: 632306). For these reasons, this variant has been classified as Pathogenic.

Illumina Laboratory Services, Illumina
Classification: Pathogenic for Cerebral arteriopathy, autosomal dominant, with subcortical infarcts and leukoencephalopathy, type 1. Last evaluated: 2017-05-10. Review status: criteria provided, single submitter. Criteria: ICSL Variant Classification Criteria 09 May 2019. Collection method: clinical testing. Allele origin: germline.
Comment: Across a selection of available literature, the NOTCH3 c.224G>C (p.Arg75Pro) variant has been reported in a heterozygous state in at least 32 patients with cerebral autosomal dominant arteriopathy with subcortical infarcts and leukoencephalopathy (CADASIL) from more than 10 independent families (Kim et al. 2006; Wang et al. 2011; Kim et al. 2012; Kim et al. 2014; Park et al. 2014; Yoon et al. 2015; Mizuno et al. 2016). These patients were of Korean, Japanese, or Chinese descent. Ueda et al. (2015) suggest that the p.Arg75Pro variant may be associated with a later age of onset and milder phenotype compared to other NOTCH3 variants seen in patients with CADASIL. The p.Arg75Pro variant was absent from 900 control alleles (Kim et al. 2006; Wang et al. 2011; Mizuno et al. 2016) and is not found in the 1000 Genomes Project, the Exome Sequencing Project, the Exome Aggregation Consortium, or the Genome Aggregation Database. Based on the evidence, the p.Arg75Pro variant is classified as pathogenic for cerebral autosomal dominant arteriopathy with subcortical infarcts and leukoencephalopathy. This variant was observed by ICSL as part of a predisposition screen in an ostensibly healthy population.

Department of Neurology, National Cerebral and Cardiovascular Center
Classification: Pathogenic for Cerebral autosomal dominant arteriopathy with subcortical infarcts and leukoencephalopathy type 1. Review status: criteria provided, single submitter. Criteria: Ueda et al. (J Neurol. 2015). Collection method: clinical testing. Allele origin: inherited. Inheritance: Autosomal dominant inheritance. Affected: yes. Observed: 3 variant alleles.
Comment: R75P mutation is a mutation of Notch3 previously reported in several unrelated Korean and Japanese families. Usually, CADASIL patients have lesions in anterior temporal pole, but those with R75P mutation were reported less frequent white matter lesions in the anterior temporal lobe, but they repeated episodes of stroke, depression, and dementia(Kim 2006, Mizuno 2008). These cases suggested the importance of paying attention to the familiar stroke patients with leukoencephalopathy even if MRI reveals no white matter lesion in the anterior temporal pole.

Literature cited by the submitters: PubMed 32555735 (cited by Variantyx, Inc.); PubMed 25604251 (cited by Variantyx, Inc. and Athena Diagnostics); PubMed 25982499 (cited by 3billion and Athena Diagnostics); PubMed 25980907 (cited by 3 submitters); PubMed 24929957 (cited by 3 submitters); PubMed 16717210 (cited by 4 submitters); PubMed 26002683 (cited by 3 submitters); PubMed 27350778 (cited by Athena Diagnostics and Illumina Laboratory Services, Illumina); PubMed 22367839 (cited by Athena Diagnostics and Illumina Laboratory Services, Illumina); PubMed 24139282 (cited by Athena Diagnostics and Illumina Laboratory Services, Illumina); PubMed 19043263 (cited by 3 submitters); PubMed 20935329 (cited by Athena Diagnostics and Illumina Laboratory Services, Illumina).

NM_000435.3(NOTCH3):c.224G>C (p.Arg75Pro)

Gene: NOTCH3 (notch receptor 3; minus strand). Cytogenetic location: 19p13.12.
Variant type: single nucleotide variant.
Coding change: c.224G>C on transcript NM_000435.3 (MANE Select); coding-DNA position 224, G replaced by C.
Protein change: p.Arg75Pro; replaces arginine 75 with proline.
Molecular consequence: missense variant.
Genome position (GRCh38, 1-based): chr19:15,192,493, C>G on the plus strand (G>C on the coding strand, the complement: NOTCH3 is on the minus strand). VCF-style: chr19-15192493-C-G. GRCh37 (hg19) VCF-style: chr19-15303304-C-G.
Other names: short protein forms R75P.
Identifiers: ClinVar variation 632306 (VCV000632306.17), dbSNP rs145069047, ClinGen allele CA404535148.